The following is an entry in ClinVar:

ClinVar aggregate classification (germline): Uncertain significance. Review status: criteria provided, multiple submitters, no conflicts (2 of 4 stars). 2 submissions from 2 submitters: Uncertain significance (2). Last evaluated 2023-03-10.

Conditions:
Multiple congenital anomalies-hypotonia-seizures syndrome 2 (MCAHS2). Also called: GLYCOSYLPHOSPHATIDYLINOSITOL BIOSYNTHESIS DEFECT 4; EPILEPTIC ENCEPHALOPATHY, EARLY INFANTILE, 20. Identifiers: Orphanet 300496, MedGen C3275508, MONDO:0010466, OMIM 300868.

Submissions (2):

Labcorp Genetics (formerly Invitae), Labcorp
Classification: Uncertain significance for Multiple congenital anomalies-hypotonia-seizures syndrome 2. Last evaluated: 2023-03-10. Review status: criteria provided, single submitter. Criteria: Invitae Variant Classification Sherloc (09022015). Collection method: clinical testing. Allele origin: germline.
Comment: This sequence change replaces aspartic acid, which is acidic and polar, with asparagine, which is neutral and polar, at codon 241 of the PIGA protein (p.Asp241Asn). This variant is not present in population databases (gnomAD no frequency). This variant has not been reported in the literature in individuals affected with PIGA-related conditions. ClinVar contains an entry for this variant (Variation ID: 1378708). Advanced modeling of protein sequence and biophysical properties (such as structural, functional, and spatial information, amino acid conservation, physicochemical variation, residue mobility, and thermodynamic stability) performed at Invitae indicates that this missense variant is expected to disrupt PIGA protein function. In summary, the available evidence is currently insufficient to determine the role of this variant in disease. Therefore, it has been classified as a Variant of Uncertain Significance.

CeGaT Center for Human Genetics Tuebingen
Classification: Uncertain significance. Last evaluated: 2022-03-01. Review status: criteria provided, single submitter. Criteria: CeGaT Center For Human Genetics Tuebingen Variant Classification Criteria Version 2. Collection method: clinical testing. Allele origin: germline. Affected: yes. Observed: 2 variant alleles.

NM_002641.4(PIGA):c.721G>A (p.Asp241Asn)

Gene: PIGA (phosphatidylinositol glycan anchor biosynthesis class A; minus strand). Cytogenetic location: Xp22.2.
Variant type: single nucleotide variant.
Coding change: c.721G>A on transcript NM_002641.4 (MANE Select); coding-DNA position 721, G replaced by A.
Protein change: p.Asp241Asn; replaces aspartic acid 241 with asparagine.
Molecular consequence: missense variant. On other transcripts: non-coding transcript variant (2).
Genome position (GRCh38, 1-based): chrX:15,326,041, C>T on the plus strand (G>A on the coding strand, the complement: PIGA is on the minus strand). VCF-style: chrX-15326041-C-T. GRCh37 (hg19) VCF-style: chrX-15344163-C-T.
Other names: c.19G>A, p.Asp7Asn (NM_020473.3); short protein forms D241N, D7N.
Identifiers: ClinVar variation 1378708 (VCV001378708.38), dbSNP rs2147718542, ClinGen allele CA412337783.
Genomic context (GRCh38, chrX:15,326,041, plus strand): 5'-TTATGAAATTTAAATCTGGATATTTCTGACAGAGTTCAGGTATTATACCACTAAGCAAAT[C>T]GATCCCTGAAAATATAAAGTTGAATGTTGGAGATATTAATATTTAAACTTAAAAAAATTC-3'
Protein context (NP_002632.1, residues 231-251): VSRLVYRKGI[Asp241Asn]LLSGIIPELC